The following is an entry in ClinVar:

ClinVar aggregate classification (germline): Uncertain significance (1 of 4 stars; one submission).

gnomAD v4.1: 4 of 1,614,092 alleles (0.00025%); highest among the groups gnomAD compares: Non-Finnish European, 0.00034%; no homozygotes.

Submission:

Ambry Genetics
Classification: Uncertain significance. Last evaluated: 2025-04-24. Review status: criteria provided, single submitter. Criteria: Ambry Variant Classification Scheme 2023. Collection method: clinical testing. Allele origin: germline.
Comment: The p.V154A variant (also known as c.461T>C), located in coding exon 1 of the TET2 gene, results from a T to C substitution at nucleotide position 461. The valine at codon 154 is replaced by alanine, an amino acid with similar properties. This amino acid position is conserved. In addition, this alteration is predicted to be tolerated by in silico analysis. Based on the available evidence, the clinical significance of this variant remains unclear.

NM_001127208.3(TET2):c.461T>C (p.Val154Ala)

Genes: TET2 (tet methylcytosine dioxygenase 2; plus strand), TET2-AS1 (TET2 antisense RNA 1; minus strand). Cytogenetic location: 4q24.
Variant type: single nucleotide variant.
Coding change: c.461T>C on transcript NM_001127208.3 (MANE Select); coding-DNA position 461, T replaced by C.
Protein change: p.Val154Ala; replaces valine 154 with alanine.
Molecular consequence: missense variant.
Genome position (GRCh38, 1-based): chr4:105,234,403, T>C. VCF-style: chr4-105234403-T-C. GRCh37 (hg19) VCF-style: chr4-106155560-T-C.
Other names: c.461T>C, p.Val154Ala (NM_017628.4); short protein forms V154A.
Identifiers: ClinVar variation 3967584 (VCV003967584.1).